The following continues an entry in ClinVar:

NM_000256.3(MYBPC3):c.26-2A>G

Gene: MYBPC3. ClinVar aggregate classification (germline): Uncertain significance. Uncertain significance (1).

Submissions 9 to 21 of 36:

Synevo Romania
Classification: Pathogenic for Hypertrophic cardiomyopathy 4; Left ventricular noncompaction 10. Last evaluated: 2024-12-27. Review status: criteria provided, single submitter. Criteria: ACMG Guidelines, 2015. Collection method: clinical testing. Allele origin: unknown. Inheritance: Autosomal dominant inheritance. Observed: 1 variant allele, 1 heterozygote. Not counted in ClinVar's aggregate classification.
Comment: This variant has been reported in over 20 individuals affected with hypertrophic cardiomyopathy (PMID: 15519027, 18957093, 21750094, 22267749, 23674513, 24510615, 27532257, 27831900).The c.26-2A>G variant in the MYBPC3 gene has been previously reported in many unrelated individuals with hypertrophic cardiomyopathy (Van Driest et al., 2004 Ehlermann et al., 2008 Kapplinger et al., 2014 Walsh et al., 2017), and segregated in 6 affected relatives from a five-generation family with LVNC (Sedaghat-Hamedani et al., 2017). This variant was observed at a higher frequency in the general population than the established specific threshold for pathogenic variations in this gene (gnomAD v2.1.1 AF~0.005% in non-Finnish European cohort). The variant alters the canonical acceptor splice site in intron 1, which is predicted to result in abnormal gene splicing (SpliceAi acceptor loss=0.95). Heterozygous loss-of-function is an established mechanism of disease for the MYBPC3 gene. (PMID: 32841044). There is no prediction of a reading frame alteration, however the variant occurs in a critical region. ACMG Criteria applied: PVS1_Strong, PS4, PP1_Moderate.

All of Us Research Program, National Institutes of Health
Classification: Pathogenic for Hypertrophic cardiomyopathy. Last evaluated: 2024-09-18. Review status: criteria provided, single submitter. Criteria: ACMG Guidelines, 2015. Collection method: clinical testing. Allele origin: germline. Inheritance: Autosomal dominant inheritance. Observed: 16 variant alleles, 16 heterozygotes. Not counted in ClinVar's aggregate classification.
Comment: This variant causes an A to G nucleotide substitution at the -2 position of intron 1 splice acceptor site of the MYBPC3 gene. Splice site prediction tools predict that this variant may have a significant impact on RNA splicing. Although RNA studies have not been reported, this variant is expected to disrupt RNA splicing and result in an absent or non-functional protein product. This variant has been reported in over 20 individuals affected with hypertrophic cardiomyopathy (PMID: 15519027, 18957093, 21750094, 22267749, 23674513, 24510615, 27532257, 27831900) and has been shown to segregate with disease in 4 individuals from 2 families (communication with en external laboratory; ClinVar SCV000059162.6). This variant has been identified in 7/255378 chromosomes in the general population by the Genome Aggregation Database (gnomAD). Loss of MYBPC3 function is a known mechanism of disease. Based on the available evidence, this variant is classified as Pathogenic.

This study involves interpretation of variants in research participants for the purpose of population health screening. Participant phenotype was not available at the time of variant classification. Additional details can be found in publication PMID: 35346344, PMCID: PMC8962531

Blueprint Genetics
Classification: Pathogenic for MYBPC3-related disorders. Last evaluated: 2024-08-16. Review status: criteria provided, single submitter. Criteria: ACMG Guidelines, 2015. Collection method: clinical testing. Allele origin: germline. Affected: yes. Observed: 5 variant alleles. Not counted in ClinVar's aggregate classification.

Color Diagnostics, LLC DBA Color Health
Classification: Pathogenic for Cardiomyopathy. Last evaluated: 2024-04-08. Review status: criteria provided, single submitter. Criteria: ACMG Guidelines, 2015. Collection method: clinical testing. Allele origin: germline. Not counted in ClinVar's aggregate classification.
Comment: This variant causes an A to G nucleotide substitution at the -2 position of intron 1 splice acceptor site of the MYBPC3 gene. Splice site prediction tools predict that this variant may have a significant impact on RNA splicing. Although RNA studies have not been reported, this variant is expected to disrupt RNA splicing and result in an absent or non-functional protein product. This variant has been reported in over 20 individuals affected with hypertrophic cardiomyopathy (PMID: 15519027, 18957093, 21750094, 22267749, 23674513, 24510615, 27532257, 27831900) and has been shown to segregate with disease in 4 individuals from 2 families (communication with en external laboratory; ClinVar SCV000059162.6). This variant has also been identified in 20 individuals from a large population study who were not known to be affected with hypertrophic cardiomyopathy (PMID: 37652022). This variant has been identified in 7/255378 chromosomes in the general population by the Genome Aggregation Database (gnomAD). Loss of MYBPC3 function is a known mechanism of disease. Based on the available evidence, this variant is classified as Pathogenic.

ARUP Laboratories, Molecular Genetics and Genomics, ARUP Laboratories
Classification: Pathogenic. Last evaluated: 2024-02-28. Review status: criteria provided, single submitter. Criteria: ARUP Molecular Germline Variant Investigation Process 2024. Collection method: clinical testing. Allele origin: germline. Not counted in ClinVar's aggregate classification.
Comment: The MYBPC3 c.26-2A>G variant (rs376395543) is reported in the literature in multiple individuals affected with hypertrophic cardiomyopathy or left ventricular noncompaction and segregates with disease in several kindreds (Ehlermann 2008, Hathaway 2021, McGurk 2023, Sedaghat-Hamedani 2017, Van Driest 2004, Walsh 2017). This variant has been reported to be incompletely penetrant (McGurk 2023, Sedaghat-Hamedani 2017), and it is found in the general population with an overall allele frequency of 0.003% (7/255,378 alleles) in the Genome Aggregation Database (v2.1.1). This variant disrupts the canonical splice acceptor site of intron 1, which is likely to negatively impact gene function. Based on available information, this variant is considered to be pathogenic. References: Ehlermann P et al. Adverse events in families with hypertrophic or dilated cardiomyopathy and mutations in the MYBPC3 gene. BMC Med Genet. 2008 Oct 28;9:95. PMID: 18957093. Hathaway J et al. Diagnostic yield of genetic testing in a heterogeneous cohort of 1376 HCM patients. BMC Cardiovasc Disord. 2021 Mar 5;21(1):126. PMID: 33673806. McGurk KA et al. The penetrance of rare variants in cardiomyopathy-associated genes: A cross-sectional approach to estimating penetrance for secondary findings. Am J Hum Genet. 2023 Sep 7;110(9):1482-1495. PMID: 37652022. Sedaghat-Hamedani F et al. Clinical genetics and outcome of left ventricular non-compaction cardiomyopathy. Eur Heart J. 2017 Dec 7;38(46):3449-3460. PMID: 29029073. Van Driest SL et al. Myosin binding protein C mutations and compound heterozygosity in hypertrophic cardiomyopathy. J Am Coll Cardiol. 2004 Nov 2;44(9):1903-10. PMID: 15519027. Walsh R et al. Reassessment of Mendelian gene pathogenicity using 7,855 cardiomyopathy cases and 60,706 reference samples. Genet Med. 2017 Feb;19(2):192-203. PMID: 27532257.

CeGaT Center for Human Genetics Tuebingen
Classification: Pathogenic. Last evaluated: 2023-03-01. Review status: criteria provided, single submitter. Criteria: CeGaT Center For Human Genetics Tuebingen Variant Classification Criteria Version 2. Collection method: clinical testing. Allele origin: germline. Affected: yes. Observed: 1 variant allele. Not counted in ClinVar's aggregate classification.
Comment: MYBPC3: PVS1, PM2

Institute of Human Genetics Munich, TUM University Hospital
Classification: Pathogenic for Hypertrophic cardiomyopathy 4. Last evaluated: 2022-11-07. Review status: criteria provided, single submitter. Criteria: Classification criteria August 2017. Collection method: clinical testing. Allele origin: paternal. Inheritance: Autosomal dominant inheritance. Affected: yes. Observed: 1 variant allele. Not counted in ClinVar's aggregate classification.

Institute for Clinical Genetics, University Hospital TU Dresden, University Hospital TU Dresden
Classification: Pathogenic. Last evaluated: 2022-11-04. Review status: criteria provided, single submitter. Criteria: ACMG Guidelines, 2015. Collection method: clinical testing. Allele origin: paternal. Not counted in ClinVar's aggregate classification.
Comment: PP1_STR, PS4, PVS1_MOD, PM2_SUP

New York Genome Center
Classification: Pathogenic for Hypertrophic cardiomyopathy 4; Left ventricular noncompaction 10. Last evaluated: 2022-09-16. Review status: criteria provided, single submitter. Criteria: NYGC Assertion Criteria 2020. Collection method: clinical testing. Allele origin: germline. Observed: 1 heterozygote. Not counted in ClinVar's aggregate classification.
Comment: The c.26-2A>G variant identified in the MYBPC3 gene has been reported in ClinVar as Pathogenic by multiple submitters (VarID:42644) and has been reported in several individuals affected with hypertrophic cardiomyopathy in the literature [PMID: 15519027, 18957093, 27532257, 33673806,others.] The c.26-2A>G variant is observed in 10 alleles (~0.002% minor allele frequency with 0 homozygotes) in population databases (gnomAD v2.1.1 and v3.1.2,TOPMed Freeze 8), suggesting it is not a common benign variant in the populations represented in those databases. The c.26-2A>G variant in MYBPC3 is located inthe canonical splice acceptor site preceding exon 2 of this 34-exon gene, and is presumed to affect mRNA splicing which might result in exon skipping or full/partial intron retention. Based on available evidence this c.26-2A>G variant identified in MYBPC3 is classified as Pathogenic.

Greenwood Genetic Center Diagnostic Laboratories, Greenwood Genetic Center
Classification: Likely pathogenic for Left ventricular noncompaction 10. Last evaluated: 2022-04-26. Review status: criteria provided, single submitter. Criteria: ACMG Guidelines, 2015. Collection method: clinical testing. Allele origin: germline. Not counted in ClinVar's aggregate classification.
Comment: PVS1, PM2

Fulgent Genetics
Classification: Pathogenic for Hypertrophic cardiomyopathy 4; Left ventricular noncompaction 10. Last evaluated: 2022-03-04. Review status: criteria provided, single submitter. Criteria: ACMG Guidelines, 2015. Collection method: clinical testing. Allele origin: unknown. Not counted in ClinVar's aggregate classification.

AiLife Diagnostics
Classification: Pathogenic. Last evaluated: 2022-01-27. Review status: criteria provided, single submitter. Criteria: ACMG Guidelines, 2015. Collection method: clinical testing. Allele origin: germline. Affected: yes. Observed: 2 variant alleles. Not counted in ClinVar's aggregate classification.

MGZ Medical Genetics Center
Classification: Likely pathogenic for Left ventricular noncompaction 10. Last evaluated: 2022-01-27. Review status: criteria provided, single submitter. Criteria: ACMG Guidelines, 2015. Collection method: clinical testing. Allele origin: germline. Affected: yes. Observed: 1 variant allele. Not counted in ClinVar's aggregate classification.
Comment: ACMG criteria applied: PS4, PM4, PM2_SUP